The following is an entry in ClinVar:

ClinVar aggregate classification (germline): Uncertain significance (1 of 4 stars; one submission).

Submission:

Labcorp Genetics (formerly Invitae), Labcorp
Classification: Uncertain significance. Last evaluated: 2021-08-04. Review status: criteria provided, single submitter. Criteria: Invitae Variant Classification Sherloc (09022015). Collection method: clinical testing. Allele origin: germline.
Comment: In summary, the available evidence is currently insufficient to determine the role of this variant in disease. Therefore, it has been classified as a Variant of Uncertain Significance. Algorithms developed to predict the effect of missense changes on protein structure and function (SIFT, PolyPhen-2, Align-GVGD) all suggest that this variant is likely to be tolerated. This variant has not been reported in the literature in individuals affected with POLE-related conditions. This variant is not present in population databases (ExAC no frequency). This sequence change replaces asparagine with aspartic acid at codon 2123 of the POLE protein (p.Asn2123Asp). The asparagine residue is moderately conserved and there is a small physicochemical difference between asparagine and aspartic acid.

NM_006231.4(POLE):c.6367A>G (p.Asn2123Asp)

Gene: POLE (DNA polymerase epsilon, catalytic subunit; minus strand). Cytogenetic location: 12q24.33.
Variant type: single nucleotide variant.
Coding change: c.6367A>G on transcript NM_006231.4 (MANE Select); coding-DNA position 6367, A replaced by G.
Protein change: p.Asn2123Asp; replaces asparagine 2123 with aspartic acid.
Molecular consequence: missense variant.
Genome position (GRCh38, 1-based): chr12:132,626,281, T>C on the plus strand (A>G on the coding strand, the complement: POLE is on the minus strand). VCF-style: chr12-132626281-T-C. GRCh37 (hg19) VCF-style: chr12-133202867-T-C.
Other names: short protein forms N2123D.
Identifiers: ClinVar variation 1424820 (VCV001424820.6), dbSNP rs2138432255, ClinGen allele CA387367800.